The following is an entry in ClinVar:

NM_001048174.2(MUTYH):c.136G>C (p.Glu46Gln)

Gene: MUTYH (mutY DNA glycosylase; minus strand). Cytogenetic location: 1p34.1.
Variant type: single nucleotide variant.
Coding change: c.136G>C on transcript NM_001048174.2 (MANE Select); coding-DNA position 136, G replaced by C.
Protein change: p.Glu46Gln; replaces glutamic acid 46 with glutamine.
Molecular consequence: missense variant. On other transcripts: 5 prime UTR variant (1), non-coding transcript variant (2), intron variant (3).
Genome position (GRCh38, 1-based): chr1:45,333,541, C>G on the plus strand (G>C on the coding strand, the complement: MUTYH is on the minus strand). VCF-style: chr1-45333541-C-G. GRCh37 (hg19) VCF-style: chr1-45799213-C-G.
Other names: c.136G>C, p.Glu46Gln (NM_001048171.2, NM_001048173.2, NM_001293195.2); c.139G>C, p.Glu47Gln (NM_001048172.2); c.220G>C, p.Glu74Gln (NM_001128425.2); c.181G>C, p.Glu61Gln (NM_001293190.2); c.169G>C, p.Glu57Gln (NM_001293191.2); c.-136G>C (NM_001350650.2); c.211G>C, p.Glu71Gln (NM_012222.3); c.-92-44G>C (NM_001350651.2); and 2 more; short protein forms E74Q, E46Q, E47Q, E61Q, E57Q, E71Q.
Identifiers: ClinVar variation 1477279 (VCV001477279.7), dbSNP rs2149175619, ClinGen allele CA340136638.

ClinVar aggregate classification (germline): Uncertain significance. Review status: criteria provided, multiple submitters, no conflicts (2 of 4 stars). 2 submissions from 2 submitters: Uncertain significance (2). Last evaluated 2025-08-27.

Conditions:
Hereditary cancer-predisposing syndrome. Also called: Tumor predisposition; Neoplastic Syndromes, Hereditary; Hereditary Cancer Syndrome; Hereditary neoplastic syndrome. Identifiers: Orphanet 140162, MedGen C0027672, MeSH D009386, MONDO:0015356.
Familial adenomatous polyposis 2. Also called: MYH-associated polyposis; Adenomas, multiple colorectal; COLORECTAL ADENOMATOUS POLYPOSIS, AUTOSOMAL RECESSIVE; ADENOMAS, MULTIPLE COLORECTAL, AUTOSOMAL RECESSIVE; FAP type 2; MUTYH Polyposis. Identifiers: Orphanet 220460, Orphanet 247798, MedGen C3272841, MONDO:0012041, OMIM 608456.

Submissions (2):

Ambry Genetics
Classification: Uncertain significance for Hereditary cancer-predisposing syndrome. Last evaluated: 2025-08-27. Review status: criteria provided, single submitter. Criteria: Ambry Variant Classification Scheme 2023. Collection method: clinical testing. Allele origin: germline.
Comment: The p.E74Q variant (also known as c.220G>C), located in coding exon 3 of the MUTYH gene, results from a G to C substitution at nucleotide position 220. The glutamic acid at codon 74 is replaced by glutamine, an amino acid with highly similar properties. This amino acid position is conserved. In addition, this alteration is predicted to be tolerated by in silico analysis. Based on the available evidence, the clinical significance of this variant remains unclear.

Labcorp Genetics (formerly Invitae), Labcorp
Classification: Uncertain significance for Familial adenomatous polyposis 2. Last evaluated: 2024-05-21. Review status: criteria provided, single submitter. Criteria: Invitae Variant Classification Sherloc (09022015). Collection method: clinical testing. Allele origin: germline.
Comment: This sequence change replaces glutamic acid, which is acidic and polar, with glutamine, which is neutral and polar, at codon 74 of the MUTYH protein (p.Glu74Gln). This variant is not present in population databases (gnomAD no frequency). This variant has not been reported in the literature in individuals affected with MUTYH-related conditions. ClinVar contains an entry for this variant (Variation ID: 1477279). Algorithms developed to predict the effect of missense changes on protein structure and function output the following: SIFT: "Not Available"; PolyPhen-2: "Benign"; Align-GVGD: "Not Available". The glutamine amino acid residue is found in multiple mammalian species, which suggests that this missense change does not adversely affect protein function. In summary, the available evidence is currently insufficient to determine the role of this variant in disease. Therefore, it has been classified as a Variant of Uncertain Significance.